The following is an entry in ClinVar:

ClinVar aggregate classification (germline): Uncertain significance (1 of 4 stars; one submission).

Conditions:
Acrocallosal syndrome (ACLS). Also called: HALLUX DUPLICATION, POSTAXIAL POLYDACTYLY, AND ABSENCE OF CORPUS CALLOSUM; Schinzel syndrome 1; Absence of corpus callosum with unusual facial appearance, mental deficiency, duplication of the halluces and polydactyly. Identifiers: Orphanet 36, MedGen C0796147, MONDO:0008708, OMIM 200990.

gnomAD v4.1: 1 of 1,466,766 alleles (0.000068%); highest among the groups gnomAD compares: Admixed American, 0.0025%; no homozygotes.

Submission:

Labcorp Genetics (formerly Invitae), Labcorp
Classification: Uncertain significance for Acrocallosal syndrome. Last evaluated: 2024-04-22. Review status: criteria provided, single submitter. Criteria: Invitae Variant Classification Sherloc (09022015). Collection method: clinical testing. Allele origin: germline.
Comment: This sequence change replaces valine, which is neutral and non-polar, with leucine, which is neutral and non-polar, at codon 186 of the KIF7 protein (p.Val186Leu). This variant is not present in population databases (gnomAD no frequency). This variant has not been reported in the literature in individuals affected with KIF7-related conditions. ClinVar contains an entry for this variant (Variation ID: 2159868). Advanced modeling of protein sequence and biophysical properties (such as structural, functional, and spatial information, amino acid conservation, physicochemical variation, residue mobility, and thermodynamic stability) has been performed at Invitae for this missense variant, however the output from this modeling did not meet the statistical confidence thresholds required to predict the impact of this variant on KIF7 protein function. In summary, the available evidence is currently insufficient to determine the role of this variant in disease. Therefore, it has been classified as a Variant of Uncertain Significance.

NM_198525.3(KIF7):c.556G>C (p.Val186Leu)

Gene: KIF7 (kinesin family member 7; minus strand). Cytogenetic location: 15q26.1.
Variant type: single nucleotide variant.
Coding change: c.556G>C on transcript NM_198525.3 (MANE Select); coding-DNA position 556, G replaced by C.
Protein change: p.Val186Leu; replaces valine 186 with leucine.
Molecular consequence: missense variant.
Genome position (GRCh38, 1-based): chr15:89,649,341, C>G on the plus strand (G>C on the coding strand, the complement: KIF7 is on the minus strand). VCF-style: chr15-89649341-C-G. GRCh37 (hg19) VCF-style: chr15-90192572-C-G.
Other names: short protein forms V186L.
Identifiers: ClinVar variation 2159868 (VCV002159868.4), dbSNP rs1354267066, ClinGen allele CA393776455.
Genomic context (GRCh38, chr15:89,649,341, plus strand): 5'-CCGTGTGCCGCGCCGCGTTGCCCATCTCCAGGAGGCTCAGCACCTCATCCAGGCCCTCCA[C>G]GTCGACCTCCTTCACCCCGCACAGCACTGCGGGCACAGAAGGCCGTGAGCCCCAGGGCAG-3'
Protein context (NP_940927.2, residues 176-196): VVLCGVKEVD[Val186Leu]EGLDEVLSLL